The following is an entry in ClinVar:

ClinVar aggregate classification (germline): Benign/Likely benign. Review status: criteria provided, multiple submitters, no conflicts (2 of 4 stars). 2 submissions from 2 submitters: Benign (1); Likely benign (1). Last evaluated 2026-01-03.

Conditions:
Factor VII deficiency. Also called: Factor 7 deficiency; F7 DEFICIENCY; HYPOPROCONVERTINEMIA. Identifiers: MedGen C0015503, MeSH D005168, MONDO:0002244.

Allele frequency attached by ClinVar (database versions not stated): gnomAD exomes 0.00243; ExAC 0.00522; gnomAD 0.00932 and 0.00989; 1000 Genomes Project 0.01038; 1000 Genomes Project 30x 0.01077; ESP Exome Variant Server 0.01083; TOPMed 0.01087.
gnomAD v4.1: 2,901 of 1,581,356 alleles (0.18%); highest among the groups gnomAD compares: African/African-American, 3.4%; 47 homozygotes.

Submissions (2):

Labcorp Genetics (formerly Invitae), Labcorp
Classification: Benign. Last evaluated: 2026-01-03. Review status: criteria provided, single submitter. Criteria: Invitae Variant Classification Sherloc (09022015). Collection method: clinical testing. Allele origin: germline.

Illumina Laboratory Services, Illumina
Classification: Likely benign for Congenital factor VII deficiency. Last evaluated: 2017-04-28. Review status: criteria provided, single submitter. Criteria: ICSL Variant Classification Criteria 13 December 2019. Collection method: clinical testing. Allele origin: germline.
Comment: This variant was observed as part of a predisposition screen in an ostensibly healthy population. A literature search was performed for the gene, cDNA change, and amino acid change (where applicable). No publications were found based on this search. Allele frequency data from public databases allowed determination this variant is unlikely to cause disease. Therefore, this variant is classified as likely benign.

NM_019616.4(F7):c.64+8C>T

Gene: F7 (coagulation factor VII; plus strand). Cytogenetic location: 13q34.
Variant type: single nucleotide variant.
Coding change: c.64+8C>T on transcript NM_019616.4 (MANE Select); 8 bases into the intron after coding-DNA position 64, C replaced by T.
Molecular consequence: intron variant.
Genome position (GRCh38, 1-based): chr13:113,105,913, C>T. VCF-style: chr13-113105913-C-T. GRCh37 (hg19) VCF-style: chr13-113760227-C-T.
Other names: c.64+8C>T (NM_000131.5, NM_001267554.2).
Identifiers: ClinVar variation 311219 (VCV000311219.9), dbSNP rs10482844, ClinGen allele CA7059814.